The following is an entry in ClinVar:

ClinVar aggregate classification (germline): Pathogenic. Review status: criteria provided, single submitter (1 of 4 stars). 2 submissions from 1 submitter: Pathogenic (1). 1 of the submissions does not count toward it. Last evaluated 2013-07-17.

Conditions:
Congenital muscular hypertrophy-cerebral syndrome (CDLS2). Also called: Cornelia de Lange syndrome 2; SMC1A-Related Cornelia de Lange Syndrome. Identifiers: Orphanet 199, MedGen C1802395, MONDO:0010370, OMIM 300590.

Submissions (2):

Baylor Genetics
Classification: Pathogenic for Congenital muscular hypertrophy-cerebral syndrome. Last evaluated: 2013-07-17. Review status: criteria provided, single submitter. Criteria: Yang et al. 2013. Collection method: clinical testing. Allele origin: de novo. Inheritance: X-linked inheritance. Affected: yes. Observed: 1 variant allele, 1 heterozygote. Study: Adult_WES.

Baylor Genetics
Classification: Pathogenic for Cornelia de Lange syndrome 2. Last evaluated: 2018-03-08. Review status: flagged submission. Criteria: ACMG Guidelines, 2015. Collection method: clinical testing. Allele origin: de novo. Affected: yes. Observed: 1 variant allele. Not counted in ClinVar's aggregate classification.
ClinVar note: Reason: This record appears to be redundant with a more recent record from the same submitter.
ClinVar note: Notes: SCV000747080 appears to be redundant with SCV000245539.

Literature cited by the submitters: PubMed 26633545; PubMed 30158690.

NM_006306.4(SMC1A):c.2547del (p.Ile849fs)

Gene: SMC1A (structural maintenance of chromosomes 1A; minus strand). Cytogenetic location: Xp11.22.
Variant type: Deletion.
Coding change: c.2547del on transcript NM_006306.4 (MANE Select); coding-DNA position 2547, one base deleted (A; older notation c.2547delA).
Protein change: p.Ile849fs; shifts the reading frame from isoleucine 849.
Molecular consequence: frameshift variant.
Genome position (GRCh38, 1-based): chrX:53,399,604, T deleted on the plus strand (A on the coding strand, the reverse complement: SMC1A is on the minus strand). VCF-style (leftmost placement, unchanged base first): chrX-53399603-CT-C. GRCh37 (hg19) VCF-style: chrX-53426525-CT-C.
Other names: c.2547delA (NM_006306.3); c.2481del, p.Ile827fs (NM_001281463.1); short protein forms I849fs, I827fs.
Identifiers: ClinVar variation 209192 (VCV000209192.2), dbSNP rs797045069, ClinGen allele CA276167.